The following is an entry in ClinVar:

NM_004977.3(KCNC3):c.109C>T (p.Pro37Ser)

Genes: KCNC3 (potassium voltage-gated channel subfamily C member 3; minus strand), LOC111811967 (Sharpr-MPRA regulatory region 11330/13384; plus strand). Cytogenetic location: 19q13.33.
Variant type: single nucleotide variant.
Coding change: c.109C>T on transcript NM_004977.3 (MANE Select); coding-DNA position 109, C replaced by T.
Protein change: p.Pro37Ser; replaces proline 37 with serine.
Molecular consequence: missense variant. On other transcripts: 5 prime UTR variant (1).
Genome position (GRCh38, 1-based): chr19:50,328,974, G>A on the plus strand (C>T on the coding strand, the complement: KCNC3 is on the minus strand). VCF-style: chr19-50328974-G-A. GRCh37 (hg19) VCF-style: chr19-50832231-G-A.
Other names: c.-120C>T (NM_001372305.1); short protein forms P37S.
Identifiers: ClinVar variation 1958842 (VCV001958842.5), dbSNP rs2513804724, ClinGen allele CA406956697.

ClinVar aggregate classification (germline): Uncertain significance (1 of 4 stars; one submission).

Allele frequency attached by ClinVar (database versions not stated): gnomAD exomes below 0.00001.
gnomAD v4.1: 2 of 1,032,062 alleles (0.00019%); highest among the groups gnomAD compares: South Asian, 0.0035%; no homozygotes.

Submission:

Labcorp Genetics (formerly Invitae), Labcorp
Classification: Uncertain significance. Last evaluated: 2022-11-22. Review status: criteria provided, single submitter. Criteria: Invitae Variant Classification Sherloc (09022015). Collection method: clinical testing. Allele origin: germline.
Comment: In summary, the available evidence is currently insufficient to determine the role of this variant in disease. Therefore, it has been classified as a Variant of Uncertain Significance. Advanced modeling of protein sequence and biophysical properties (such as structural, functional, and spatial information, amino acid conservation, physicochemical variation, residue mobility, and thermodynamic stability) performed at Invitae indicates that this missense variant is not expected to disrupt KCNC3 protein function. This variant has not been reported in the literature in individuals affected with KCNC3-related conditions. The frequency data for this variant in the population databases is considered unreliable, as metrics indicate insufficient coverage at this position in the gnomAD database. This sequence change replaces proline, which is neutral and non-polar, with serine, which is neutral and polar, at codon 37 of the KCNC3 protein (p.Pro37Ser).